The following is an entry in ClinVar:

NM_002841.4(PTPRG):c.3766-12_3766-11insTTTTTTTTTTTTTTTTT

Genes: PTPRG (protein tyrosine phosphatase receptor type G; plus strand), PTPRG-AS1 (PTPRG antisense RNA 1; minus strand). Cytogenetic location: 3p14.2.
Variant type: Insertion.
Coding change: c.3766-12_3766-11insTTTTTTTTTTTTTTTTT on transcript NM_002841.4 (MANE Select); 12 bases into the intron before coding-DNA position 3766 through 11 bases into the intron before coding-DNA position 3766, TTTTTTTTTTTTTTTTT inserted.
Molecular consequence: intron variant.
Genome position: GRCh38 VCF-style: chr3-62281538-C-CTTTTTTTTTTTTTTTTT. GRCh37 (hg19) VCF-style: chr3-62267213-C-CTTTTTTTTTTTTTTTTT.
Other names: c.3679-12_3679-11insTTTTTTTTTTTTTTTTT (NM_001375471.1).
Identifiers: ClinVar variation 3024706 (VCV003024706.22), dbSNP rs60919586, ClinGen allele CA909097096.

ClinVar aggregate classification (germline): Likely benign (1 of 4 stars; one submission).

Submission:

CeGaT Center for Human Genetics Tuebingen
Classification: Likely benign. Last evaluated: 2024-01-01. Review status: criteria provided, single submitter. Criteria: CeGaT Center For Human Genetics Tuebingen Variant Classification Criteria Version 2. Collection method: clinical testing. Allele origin: germline. Affected: yes. Observed: 1 variant allele.
Comment: PTPRG: BS2